The following is an entry in ClinVar:

NM_001039660.2(IL18BP):c.29-6C>G

Gene: IL18BP (interleukin 18 binding protein; plus strand). Cytogenetic location: 11q13.4.
Variant type: single nucleotide variant.
Coding change: c.29-6C>G on transcript NM_001039660.2 (MANE Select); 6 bases into the intron before coding-DNA position 29, C replaced by G.
Molecular consequence: intron variant.
Genome position (GRCh38, 1-based): chr11:72,000,345, C>G. VCF-style: chr11-72000345-C-G. GRCh37 (hg19) VCF-style: chr11-71711391-C-G.
Other names: c.29-6C>G (NM_001039659.2, NM_173044.3, NM_005699.3 and 3 more transcripts).
Identifiers: ClinVar variation 4752384 (VCV004752384.1).
Genomic context (GRCh38, chr11:72,000,345, plus strand): 5'-TACATCCTTACCCGGGCAGCCCACTCTGTCTCCAGAGCCGCTGACCTGTAACTGTCCTTT[C>G]CTCAGACCTCAGCCCTTTGTGGGTCCTGCTCCTGTGTGCCCACGTCGTCACTCTCCTGGT-3'

ClinVar aggregate classification (germline): Uncertain significance (1 of 4 stars; one submission).

gnomAD v4.1: 2 of 1,613,194 alleles (0.00012%); highest among the groups gnomAD compares: Non-Finnish European, 0.00017%; no homozygotes.

Submission:

Labcorp Genetics (formerly Invitae), Labcorp
Classification: Uncertain significance. Last evaluated: 2025-09-21. Review status: criteria provided, single submitter. Criteria: Invitae Variant Classification Sherloc (09022015). Collection method: clinical testing. Allele origin: germline.
Comment: This sequence change falls in intron 1 of the IL18BP gene. It does not directly change the encoded amino acid sequence of the IL18BP protein. This variant is not present in population databases (gnomAD no frequency). This variant has not been reported in the literature in individuals affected with IL18BP-related conditions. Algorithms developed to predict the effect of sequence changes on RNA splicing suggest that this variant may disrupt the consensus splice site. In summary, the available evidence is currently insufficient to determine the role of this variant in disease. Therefore, it has been classified as a Variant of Uncertain Significance.